The following is an entry in ClinVar:

ClinVar aggregate classification (germline): Uncertain significance (1 of 4 stars; one submission).

Conditions:
Absence seizure. Also called: Absence epilepsy. Identifiers: Orphanet 1941, MedGen C0014553.
Myoclonic epilepsy, juvenile, susceptibility to, 1. Also called: Myoclonic Epilepsy, Juvenile, 1; EJM1. Identifiers: MedGen C1850778, MONDO:0020752, OMIM 254770.

Allele frequency attached by ClinVar (database versions not stated): TOPMed below 0.00001; gnomAD 0.00001; gnomAD exomes 0.00001 and 0.00003; ExAC 0.00003; ESP Exome Variant Server 0.00008.
gnomAD v4.1: 13 of 1,613,880 alleles (0.00081%); highest among the groups gnomAD compares: Admixed American, 0.017%; no homozygotes.

Submission:

Labcorp Genetics (formerly Invitae), Labcorp
Classification: Uncertain significance for Myoclonic epilepsy, juvenile, susceptibility to, 1; Absence seizure. Last evaluated: 2020-03-19. Review status: criteria provided, single submitter. Criteria: Invitae Variant Classification Sherloc (09022015). Collection method: clinical testing. Allele origin: germline.
Comment: In summary, the available evidence is currently insufficient to determine the role of this variant in disease. Therefore, it has been classified as a Variant of Uncertain Significance. Algorithms developed to predict the effect of missense changes on protein structure and function output the following: SIFT: "Tolerated"; PolyPhen-2: "Benign"; Align-GVGD: "Class C0". The asparagine amino acid residue is found in multiple mammalian species, suggesting that this missense change does not adversely affect protein function. These predictions have not been confirmed by published functional studies and their clinical significance is uncertain. This variant has not been reported in the literature in individuals with EFHC1-related conditions. This variant is present in population databases (rs144739917, ExAC 0.03%). This sequence change replaces serine with asparagine at codon 254 of the EFHC1 protein (p.Ser254Asn). The serine residue is highly conserved and there is a small physicochemical difference between serine and asparagine.

NM_018100.4(EFHC1):c.761G>A (p.Ser254Asn)

Gene: EFHC1 (EF-hand domain containing 1; plus strand). Cytogenetic location: 6p12.2.
Variant type: single nucleotide variant.
Coding change: c.761G>A on transcript NM_018100.4 (MANE Select); coding-DNA position 761, G replaced by A.
Protein change: p.Ser254Asn; replaces serine 254 with asparagine.
Molecular consequence: missense variant. On other transcripts: non-coding transcript variant (1).
Genome position (GRCh38, 1-based): chr6:52,454,132, G>A. VCF-style: chr6-52454132-G-A. GRCh37 (hg19) VCF-style: chr6-52318930-G-A.
Other names: c.704G>A, p.Ser235Asn (NM_001172420.2); short protein forms S235N, S254N.
Identifiers: ClinVar variation 1026208 (VCV001026208.10), dbSNP rs144739917, ClinGen allele CA3855917.